The following is an entry in ClinVar:

ClinVar aggregate classification (germline): Uncertain significance (1 of 4 stars; one submission).

Conditions:
Catecholaminergic polymorphic ventricular tachycardia 1. Also called: RYR2-Related Catecholaminergic Polymorphic Ventricular Tachycardia; VENTRICULAR TACHYCARDIA, CATECHOLAMINERGIC POLYMORPHIC, 1, WITH OR WITHOUT ATRIAL DYSFUNCTION AND/OR DILATED CARDIOMYOPATHY; VENTRICULAR TACHYCARDIA, STRESS-INDUCED POLYMORPHIC 1. Identifiers: Orphanet 3286, MedGen C1631597, MONDO:0011484, OMIM 604772.

Submission:

Labcorp Genetics (formerly Invitae), Labcorp
Classification: Uncertain significance for Catecholaminergic polymorphic ventricular tachycardia 1. Last evaluated: 2020-01-01. Review status: criteria provided, single submitter. Criteria: Invitae Variant Classification Sherloc (09022015). Collection method: clinical testing. Allele origin: germline.
Comment: In summary, the available evidence is currently insufficient to determine the role of this variant in disease. Therefore, it has been classified as a Variant of Uncertain Significance. Nucleotide substitutions within the consensus splice site are a relatively common cause of aberrant splicing (PMID: 17576681, 9536098). Algorithms developed to predict the effect of sequence changes on RNA splicing suggest that this variant is not likely to affect RNA splicing, but this prediction has not been confirmed by published transcriptional studies. This variant has not been reported in the literature in individuals with TRDN-related conditions. This variant is not present in population databases (ExAC no frequency). This sequence change falls in intron 36 of the TRDN gene. It does not directly change the encoded amino acid sequence of the TRDN protein, but it affects a nucleotide within the consensus splice site of the intron.

Literature cited by the submitters: PubMed 17576681; PubMed 9536098.

NM_006073.4(TRDN):c.1906+6T>G

Gene: TRDN (triadin; minus strand). Cytogenetic location: 6q22.31.
Variant type: single nucleotide variant.
Coding change: c.1906+6T>G on transcript NM_006073.4 (MANE Select); 6 bases into the intron after coding-DNA position 1906, T replaced by G.
Molecular consequence: intron variant.
Genome position (GRCh38, 1-based): chr6:123,255,861, A>C on the plus strand (T>G on the coding strand, the complement: TRDN is on the minus strand). VCF-style: chr6-123255861-A-C. GRCh37 (hg19) VCF-style: chr6-123577006-A-C.
Identifiers: ClinVar variation 1002240 (VCV001002240.48), dbSNP rs1562232511, ClinGen allele CA1660339779.